The following is an entry in ClinVar:

ClinVar aggregate classification (germline): Uncertain significance (1 of 4 stars; one submission).

Conditions:
Mucopolysaccharidosis type 1. Also called: IDUA deficiency; MPS I. Identifiers: Orphanet 579, MedGen C0023786, MONDO:0001586.

gnomAD v4.1: 2 of 1,454,164 alleles (0.00014%); no homozygotes.

Submission:

Labcorp Genetics (formerly Invitae), Labcorp
Classification: Uncertain significance for Mucopolysaccharidosis type 1. Last evaluated: 2022-08-02. Review status: criteria provided, single submitter. Criteria: Invitae Variant Classification Sherloc (09022015). Collection method: clinical testing. Allele origin: germline.
Comment: This sequence change replaces alanine, which is neutral and non-polar, with proline, which is neutral and non-polar, at codon 437 of the IDUA protein (p.Ala437Pro). This variant is not present in population databases (gnomAD no frequency). This variant has not been reported in the literature in individuals affected with IDUA-related conditions. Algorithms developed to predict the effect of missense changes on protein structure and function are either unavailable or do not agree on the potential impact of this missense change (SIFT: "Deleterious"; PolyPhen-2: "Possibly Damaging"; Align-GVGD: "Class C0"). In summary, the available evidence is currently insufficient to determine the role of this variant in disease. Therefore, it has been classified as a Variant of Uncertain Significance.

NM_000203.5(IDUA):c.1309G>C (p.Ala437Pro)

Gene: IDUA (alpha-L-iduronidase; plus strand). Cytogenetic location: 4p16.3.
Variant type: single nucleotide variant.
Coding change: c.1309G>C on transcript NM_000203.5 (MANE Select); coding-DNA position 1309, G replaced by C.
Protein change: p.Ala437Pro; replaces alanine 437 with proline.
Molecular consequence: missense variant. On other transcripts: non-coding transcript variant (1).
Genome position (GRCh38, 1-based): chr4:1,002,851, G>C. VCF-style: chr4-1002851-G-C. GRCh37 (hg19) VCF-style: chr4-996639-G-C.
Other names: c.913G>C, p.Ala305Pro (NM_001363576.1); short protein forms A437P, A305P.
Identifiers: ClinVar variation 1918203 (VCV001918203.2), dbSNP rs1259428940, ClinGen allele CA355963906.